The following is an entry in ClinVar:

ClinVar aggregate classification (germline): Benign/Likely benign. Review status: criteria provided, multiple submitters, no conflicts (2 of 4 stars). 9 submissions from 9 submitters: Benign (7); Likely benign (2). Last evaluated 2026-02-03.

Conditions:
Myopathy, centronuclear, 2 (CNM2). Also called: MYOTUBULAR MYOPATHY, AUTOSOMAL RECESSIVE. Identifiers: Orphanet 169186, MedGen CN031787, MONDO:0009709, OMIM 255200.

Allele frequency attached by ClinVar (database versions not stated): TOPMed 0.29898; ESP Exome Variant Server 0.27180; gnomAD exomes 0.31123 and 0.33745; ExAC 0.33436; 1000 Genomes Project 0.35463; 1000 Genomes Project 30x 0.35603; gnomAD 0.29063 and 0.29749.
gnomAD v4.1: 500,291 of 1,613,848 alleles (31%); highest among the groups gnomAD compares: South Asian, 44%; 79,706 homozygotes.

Submissions (9):

Labcorp Genetics (formerly Invitae), Labcorp
Classification: Benign for Myopathy, centronuclear, 2. Last evaluated: 2026-02-03. Review status: criteria provided, single submitter. Criteria: Invitae Variant Classification Sherloc (09022015). Collection method: clinical testing. Allele origin: germline.

Genome-Nilou Lab
Classification: Benign for Myopathy, centronuclear, 2. Last evaluated: 2021-07-14. Review status: criteria provided, single submitter. Criteria: ACMG Guidelines, 2015. Collection method: clinical testing. Allele origin: germline. Affected: no.

Illumina Laboratory Services, Illumina
Classification: Benign for Myopathy, centronuclear, 2. Last evaluated: 2018-01-12. Review status: criteria provided, single submitter. Criteria: ICSL Variant Classification Criteria 13 December 2019. Collection method: clinical testing. Allele origin: germline.
Comment: This variant was observed in the ICSL laboratory as part of a predisposition screen in an ostensibly healthy population. It had not been previously curated by ICSL or reported in the Human Gene Mutation Database (HGMD: prior to June 1st, 2018), and was therefore a candidate for classification through an automated scoring system. Utilizing variant allele frequency, disease prevalence and penetrance estimates, and inheritance mode, an automated score was calculated to assess if this variant is too frequent to cause the disease. Based on the score and internal cut-off values, a variant classified as benign is not then subjected to further curation. The score for this variant resulted in a classification of benign for this disease.

Mayo Clinic Laboratories, Mayo Clinic
Classification: Benign. Last evaluated: 2017-07-20. Review status: criteria provided, single submitter. Criteria: ACMG Guidelines, 2015. Collection method: clinical testing. Allele origin: germline. Observed: 426 variant alleles.

GeneDx
Classification: Benign. Last evaluated: 2016-01-05. Review status: criteria provided, single submitter. Criteria: GeneDx Variant Classification (06012015). Collection method: clinical testing. Allele origin: germline. Affected: yes.
Comment: This variant is considered likely benign or benign based on one or more of the following criteria: it is a conservative change, it occurs at a poorly conserved position in the protein, it is predicted to be benign by multiple in silico algorithms, and/or has population frequency not consistent with disease.

Laboratory for Molecular Medicine, Mass General Brigham Personalized Medicine
Classification: Benign. Last evaluated: 2014-11-24. Review status: criteria provided, single submitter. Criteria: LMM Criteria. Collection method: clinical testing. Allele origin: germline. Observed: 11 variant alleles.
Comment: Thr162Thr in exon 6 of BIN1: This variant is not expected to have clinical signi ficance because it does not alter an amino acid residue and is not located withi n the splice consensus sequence. It has been identified in 29.0% (2498/8600) of European American chromosomes from a broad population by the NHLBI Exome Sequenc ing Project (dbSNP rs1060743).

Genetic Services Laboratory, University of Chicago
Classification: Likely benign. Last evaluated: 2013-08-15. Review status: criteria provided, single submitter. Criteria: ACMG Guidelines, 2007. Collection method: clinical testing. Allele origin: germline. Inheritance: Autosomal recessive inheritance.
Comment: Likely benign based on allele frequency in 1000 Genomes Project or ESP global frequency and its presence in a patient with a rare or unrelated disease phenotype. NOT Sanger confirmed

Breakthrough Genomics
Classification: Likely benign. Review status: criteria provided, single submitter. Criteria: ACMG Guidelines, 2015. Collection method: not provided. Allele origin: germline. Inheritance: Autosomal recessive inheritance. Affected: yes.

PreventionGenetics, part of Exact Sciences
Classification: Benign. Review status: criteria provided, single submitter. Criteria: ACMG Guidelines, 2015. Collection method: clinical testing. Allele origin: germline.

NM_139343.3(BIN1):c.486T>C (p.Thr162=)

Gene: BIN1 (bridging integrator 1; minus strand). Cytogenetic location: 2q14.3.
Variant type: single nucleotide variant.
Coding change: c.486T>C on transcript NM_139343.3 (MANE Select); coding-DNA position 486, T replaced by C.
Protein change: p.Thr162=; no amino-acid change (threonine 162 retained).
Molecular consequence: synonymous variant.
Genome position (GRCh38, 1-based): chr2:127,068,957, A>G on the plus strand (T>C on the coding strand, the complement: BIN1 is on the minus strand). VCF-style: chr2-127068957-A-G. GRCh37 (hg19) VCF-style: chr2-127826533-A-G.
Other names: p.Thr162=; c.486T>C, p.Thr162= (NM_001320632.2, NM_001320633.2, NM_001320640.2 and 10 more transcripts); c.414T>C, p.Thr138= (NM_001320634.1); c.405T>C, p.Thr135= (NM_001320642.1).
Identifiers: ClinVar variation 158015 (VCV000158015.26), dbSNP rs1060743, ClinGen allele CA171401.